The following is an entry in ClinVar:

NC_000011.9:g.(?_103270371)_(103349981_?)del

Gene: DYNC2H1 (dynein cytoplasmic 2 heavy chain 1; plus strand). Cytogenetic location: 11q22.3.
Variant type: Deletion.
Identifiers: ClinVar variation 3244575 (VCV003244575.1).

ClinVar aggregate classification (germline): Pathogenic (1 of 4 stars; one submission).

Conditions:
Jeune thoracic dystrophy. Also called: Jeune's syndrome; Chondroectodermal dysplasia-like syndrome; Short-rib thoracic dysplasia; Jeune syndrome; Infantile thoracic dystrophy; Thoracic pelvic phalangeal dystrophy. Identifiers: Orphanet 474, MedGen C0265275, MONDO:0018770.

Submission:

Labcorp Genetics (formerly Invitae), Labcorp
Classification: Pathogenic for Jeune thoracic dystrophy. Last evaluated: 2024-01-14. Review status: criteria provided, single submitter. Criteria: Invitae Variant Classification Sherloc (09022015). Collection method: clinical testing. Allele origin: unknown.
Comment: This variant is a gross deletion of the genomic region encompassing exon(s) 85-90 of the DYNC2H1 gene, which includes the termination codon. This deletion extends beyond the assayed region for this gene and therefore may encompass additional genes. While this deletion is not anticipated to lead to nonsense mediated decay, it is expected to alter mRNA translation or result in a truncated protein product. This variant has not been reported in the literature in individuals affected with DYNC2H1-related conditions. This variant disrupts a region of the DYNC2H1 protein in which other variant(s) (p.Pro4144Arg) have been determined to be pathogenic (PMID: 29068549, 30655312, 30773290). This suggests that this is a clinically significant region of the protein, and that variants that disrupt it are likely to be disease-causing. For these reasons, this variant has been classified as Pathogenic.

Literature cited by the submitters: PubMed 29068549; PubMed 30655312; PubMed 30773290.